The following is an entry in ClinVar:

ClinVar aggregate classification (germline): Pathogenic (1 of 4 stars; one submission).

Submission:

Labcorp Genetics (formerly Invitae), Labcorp
Classification: Pathogenic. Last evaluated: 2024-01-25. Review status: criteria provided, single submitter. Criteria: Invitae Variant Classification Sherloc (09022015). Collection method: clinical testing. Allele origin: unknown.
Comment: This variant is a gross deletion of the genomic region encompassing exon(s) 3-9 of the OCA2 gene. This deletion is out-of-frame, and is expected to create a premature termination codon and result in an absent or disrupted protein product. Loss-of-function variants in OCA2 are known to be pathogenic (PMID: 19865097, 21541274). This variant has not been reported in the literature in individuals affected with OCA2-related conditions. For these reasons, this variant has been classified as Pathogenic.

Literature cited by the submitters: PubMed 19865097; PubMed 21541274.

NC_000015.9:g.(?_28259902)_(28277329_?)del

Gene: OCA2 (OCA2 melanosomal transmembrane protein; minus strand). Cytogenetic location: 15q13.1.
Variant type: Deletion.
Identifiers: ClinVar variation 3243851 (VCV003243851.1).